The following is an entry in ClinVar:

NC_000009.11:g.(?_21970891)_(21973573_?)del

Gene: CDKN2A (cyclin dependent kinase inhibitor 2A; minus strand). Cytogenetic location: 9p21.3.
Variant type: Deletion.
Identifiers: ClinVar variation 2422309 (VCV002422309.4).

ClinVar aggregate classification (germline): Pathogenic (1 of 4 stars; one submission).

Conditions:
Familial melanoma. Also called: Hereditary melanoma; Hereditary cutaneous melanoma. Identifiers: Orphanet 618, MedGen C1512419, MONDO:0018961.

Submission:

Labcorp Genetics (formerly Invitae), Labcorp
Classification: Pathogenic for Familial melanoma. Last evaluated: 2022-04-15. Review status: criteria provided, single submitter. Criteria: Invitae Variant Classification Sherloc (09022015). Collection method: clinical testing. Allele origin: germline.
Comment: The CDKN2A gene encodes two different proteins, p16INK4a and p14ARF, which are translated from alternative transcripts with different open reading frames. Both transcripts have been analyzed. We report either the variant with the higher classification or default to the CDKN2A (p16INK4a) variant. This report therefore includes the details for the CDKN2A (p16INK4a) variant. This variant is a gross deletion of the genomic region encompassing exon(s) 2 of the CDKN2A (p16INK4a) gene. RNA analysis indicates that a similar copy number variant induces altered splicing and likely disrupts the C-terminus of the protein. A similar copy number variant has been observed in individual(s) with familial melanomas (PMID: 18612309). This variant is also known as Deletion (Exon 2) in CDKN2A (p14ARF) transcript. Studies have shown that a similar copy number variant results in skipping of exon 2 and introduces a new termination codon (PMID: 18612309). However the mRNA is not expected to undergo nonsense-mediated decay. This variant disrupts a region of the CDKN2A (p16INK4a) protein in which other variant(s) (p.Val126Asp) have been determined to be pathogenic (PMID: 7647780, 9425228, 11595726, 15146471, 20340136). This suggests that this is a clinically significant region of the protein, and that variants that disrupt it are likely to be disease-causing. For these reasons, this variant has been classified as Pathogenic. While the evidence indicates that this variant confers risk of developing CDKN2A (p16INK4a)-associated conditions, its association with risk for developing CDKN2A (p14ARF)-associated conditions is still unclear.

Literature cited by the submitters: PubMed 18612309; PubMed 7647780; PubMed 9425228; PubMed 11595726; PubMed 15146471; PubMed 20340136.